The following is an entry in ClinVar:

NM_001606.5(ABCA2):c.5603C>T (p.Thr1868Met)

Gene: ABCA2 (ATP binding cassette subfamily A member 2; minus strand). Cytogenetic location: 9q34.3.
Variant type: single nucleotide variant.
Coding change: c.5603C>T on transcript NM_001606.5 (MANE Select); coding-DNA position 5603, C replaced by T.
Protein change: p.Thr1868Met; replaces threonine 1868 with methionine.
Molecular consequence: missense variant.
Genome position (GRCh38, 1-based): chr9:137,011,682, G>A on the plus strand (C>T on the coding strand, the complement: ABCA2 is on the minus strand). VCF-style: chr9-137011682-G-A. GRCh37 (hg19) VCF-style: chr9-139906134-G-A.
Other names: c.5693C>T, p.Thr1898Met (NM_212533.3); c.5600C>T, p.Thr1867Met (NM_001411042.1); short protein forms T1868M, T1898M, T1867M.
Identifiers: ClinVar variation 3510595 (VCV003510595.2).

ClinVar aggregate classification (germline): Uncertain significance. Review status: criteria provided, multiple submitters, no conflicts (2 of 4 stars). 2 submissions from 2 submitters: Uncertain significance (2). Last evaluated 2026-09-01.

gnomAD v4.1: 43 of 1,555,366 alleles (0.0028%); highest among the groups gnomAD compares: South Asian, 0.019%; no homozygotes.

Submissions (2):

CeGaT Center for Human Genetics Tuebingen
Classification: Uncertain significance. Last evaluated: 2026-09-01. Review status: criteria provided, single submitter. Criteria: CeGaT Center For Human Genetics Tuebingen Variant Classification Criteria Version 2. Collection method: clinical testing. Allele origin: germline. Affected: yes. Observed: 1 variant allele.
Comment: ABCA2: PM2, PP2, PP3

Ambry Genetics
Classification: Uncertain significance. Last evaluated: 2024-10-09. Review status: criteria provided, single submitter. Criteria: Ambry Variant Classification Scheme 2023. Collection method: clinical testing. Allele origin: germline.